The following is an entry in ClinVar:

NM_000209.4(PDX1):c.347A>T (p.Gln116Leu)

Gene: PDX1 (pancreatic and duodenal homeobox 1; plus strand). Cytogenetic location: 13q12.2.
Variant type: single nucleotide variant.
Coding change: c.347A>T on transcript NM_000209.4 (MANE Select); coding-DNA position 347, A replaced by T.
Protein change: p.Gln116Leu; replaces glutamine 116 with leucine.
Molecular consequence: missense variant.
Genome position (GRCh38, 1-based): chr13:27,920,485, A>T. VCF-style: chr13-27920485-A-T. GRCh37 (hg19) VCF-style: chr13-28494622-A-T.
Other names: short protein forms Q116L.
Identifiers: ClinVar variation 4526285 (VCV004526285.1).

ClinVar aggregate classification (germline): Uncertain significance (1 of 4 stars; one submission).

gnomAD v4.1: 3 of 1,611,578 alleles (0.00019%); highest among the groups gnomAD compares: Non-Finnish European, 0.00025%; no homozygotes.

Submission:

Women's Health and Genetics/Laboratory Corporation of America, LabCorp
Classification: Uncertain significance. Last evaluated: 2025-07-22. Review status: criteria provided, single submitter. Criteria: LabCorp Variant Classification Summary - May 2015. Collection method: clinical testing. Allele origin: germline.
Comment: Variant summary: PDX1 c.347A>T (p.Gln116Leu) results in a non-conservative amino acid change in the encoded protein sequence. Algorithms developed to predict the effect of missense changes on protein structure and function are either unavailable or do not agree on the potential impact of this missense change. The variant was absent in 243402 control chromosomes. The available data on variant occurrences in the general population are insufficient to allow any conclusion about variant significance. To our knowledge, no occurrence of c.347A>T in individuals affected with Pancreatic Agenesis 1 and no experimental evidence demonstrating its impact on protein function have been reported. No submitters have cited clinical-significance assessments for this variant to ClinVar. Based on the evidence outlined above, the variant was classified as uncertain significance.